The following is an entry in ClinVar:

NM_000245.4(MET):c.3088G>A (p.Asp1030Asn)

Gene: MET (MET proto-oncogene, receptor tyrosine kinase; plus strand). Cytogenetic location: 7q31.2.
Variant type: single nucleotide variant.
Coding change: c.3088G>A on transcript NM_000245.4 (MANE Select); coding-DNA position 3088, G replaced by A.
Protein change: p.Asp1030Asn; replaces aspartic acid 1030 with asparagine.
Molecular consequence: missense variant.
Genome position (GRCh38, 1-based): chr7:116,774,940, G>A. VCF-style: chr7-116774940-G-A. GRCh37 (hg19) VCF-style: chr7-116414994-G-A.
Other names: c.3142G>A, p.Asp1048Asn (NM_001127500.3); c.1798G>A, p.Asp600Asn (NM_001324402.2); short protein forms D1030N, D1048N, D600N.
Identifiers: ClinVar variation 5024432 (VCV005024432.1).
Genomic context (GRCh38, chr7:116,774,940, plus strand): 5'-GATCAGTTTCCTAATTCATCTCAGAACGGTTCATGCCGACAAGTGCAGTATCCTCTGACA[G>A]ACATGTCCCCCATCCTAACTAGTGGGGACTCTGATATATCCAGTCCATTACTGCAAAATA-3'
Protein context (NP_000236.2, residues 1020-1040): SCRQVQYPLT[Asp1030Asn]MSPILTSGDS

ClinVar aggregate classification (germline): Uncertain significance (1 of 4 stars; one submission).

Conditions:
Hereditary cancer-predisposing syndrome. Also called: Neoplastic Syndromes, Hereditary; Tumor predisposition; Hereditary neoplastic syndrome; Hereditary Cancer Syndrome. Identifiers: Orphanet 140162, MedGen C0027672, MeSH D009386, MONDO:0015356.

gnomAD v4.1: 1 of 1,614,148 alleles (0.000062%); highest among the groups gnomAD compares: Non-Finnish European, 0.000085%; no homozygotes.

Submission:

Ambry Genetics
Classification: Uncertain significance for Hereditary cancer-predisposing syndrome. Last evaluated: 2026-08-31. Review status: criteria provided, single submitter. Criteria: Ambry Variant Classification Scheme 2023. Collection method: clinical testing. Allele origin: germline.
Comment: The p.D1048N variant (also known as c.3142G>A), located in coding exon 14 of the MET gene, results from a G to A substitution at nucleotide position 3142. The aspartic acid at codon 1048 is replaced by asparagine, an amino acid with highly similar properties. This amino acid position is conserved. In addition, this alteration is predicted to be tolerated by in silico analysis. Based on the available evidence, the clinical significance of this variant remains unclear.